The following is an entry in ClinVar:

ClinVar aggregate classification (germline): Uncertain significance (1 of 4 stars; one submission).

Conditions:
Perlman syndrome (PRLMNS). Identifiers: Orphanet 2849, MedGen C0796113, MONDO:0009965, OMIM 267000.

Submission:

Labcorp Genetics (formerly Invitae), Labcorp
Classification: Uncertain significance for Perlman syndrome. Last evaluated: 2022-08-20. Review status: criteria provided, single submitter. Criteria: Invitae Variant Classification Sherloc (09022015). Collection method: clinical testing. Allele origin: germline.
Comment: In summary, the available evidence is currently insufficient to determine the role of this variant in disease. Therefore, it has been classified as a Variant of Uncertain Significance. Variants that disrupt the consensus splice site are a relatively common cause of aberrant splicing (PMID: 17576681, 9536098). Algorithms developed to predict the effect of sequence changes on RNA splicing suggest that this variant may create or strengthen a splice site. ClinVar contains an entry for this variant (Variation ID: 1014019). This variant has not been reported in the literature in individuals affected with DIS3L2-related conditions. This variant is not present in population databases (gnomAD no frequency). This sequence change falls in intron 8 of the DIS3L2 gene. It does not directly change the encoded amino acid sequence of the DIS3L2 protein. It affects a nucleotide within the consensus splice site.

Literature cited by the submitters: PubMed 17576681; PubMed 9536098.

NM_152383.5(DIS3L2):c.950+4G>C

Gene: DIS3L2 (DIS3 like 3'-5' exoribonuclease 2; plus strand). Cytogenetic location: 2q37.1.
Variant type: single nucleotide variant.
Coding change: c.950+4G>C on transcript NM_152383.5 (MANE Select); 4 bases into the intron after coding-DNA position 950, G replaced by C.
Molecular consequence: intron variant.
Genome position (GRCh38, 1-based): chr2:232,136,723, G>C. VCF-style: chr2-232136723-G-C. GRCh37 (hg19) VCF-style: chr2-233001433-G-C.
Other names: c.950+4G>C (NM_001257281.2).
Identifiers: ClinVar variation 1014019 (VCV001014019.8), dbSNP rs1698369738, ClinGen allele CA1335129133.
Genomic context (GRCh38, chr2:232,136,723, plus strand): 5'-CACACTGTTCATCTGCCGCATTGTGGACTGGAAGGAGGACTGCAATTTTGCCCTGGGGTA[G>C]GTGATCTCTGGTAGGAAAAACCACAGGTCACAGGCAGAACTCAGTTTAGGTGGTCTTTAG-3'